The following is an entry in ClinVar:

NM_006231.4(POLE):c.2562-48T>C

Gene: POLE (DNA polymerase epsilon, catalytic subunit; minus strand). Cytogenetic location: 12q24.33.
Variant type: single nucleotide variant.
Coding change: c.2562-48T>C on transcript NM_006231.4 (MANE Select); 48 bases into the intron before coding-DNA position 2562, T replaced by C.
Molecular consequence: intron variant.
Genome position (GRCh38, 1-based): chr12:132,664,196, A>G on the plus strand (T>C on the coding strand, the complement: POLE is on the minus strand). VCF-style: chr12-132664196-A-G. GRCh37 (hg19) VCF-style: chr12-133240782-A-G.
Identifiers: ClinVar variation 676496 (VCV000676496.4), dbSNP rs4883592, ClinGen allele CA6893507.
Genomic context (GRCh38, chr12:132,664,196, plus strand): 5'-CTCTAAGGGCCTCCTTCAGAGAAAGAGAGGAGCAAGGTCGTGAGTTCCCCTTTCCTTTTC[A>G]CCCAGTGTGTGGCCTCCAGCCTTCCCTCCTTCCTTCCTGCCCAGTGTGTGGCCTCCAGCC-3'

ClinVar aggregate classification (germline): Benign. Review status: criteria provided, multiple submitters, no conflicts (2 of 4 stars). 4 submissions from 3 submitters: Benign (4). Last evaluated 2021-10-25.

Conditions:
Facial dysmorphism-immunodeficiency-livedo-short stature syndrome. Also called: FILS syndrome; Facial dysmorphism, immunodeficiency, livedo, and short stature. Identifiers: Orphanet 352712, MedGen C3554576, MONDO:0014058, OMIM 615139.
Intrauterine growth retardation, metaphyseal dysplasia, adrenal hypoplasia congenita, genital anomalies, and immunodeficiency. Also called: IMAGEI SYNDROME. Identifiers: MedGen C5193036, MONDO:0032684, OMIM 618336.

Allele frequency attached by ClinVar (database versions not stated): gnomAD exomes 0.33197 and 0.43951; ESP Exome Variant Server 0.52260; gnomAD 0.53563 and 0.53680; TOPMed 0.55156; ExAC 0.50483; 1000 Genomes Project 0.60583.
gnomAD v4.1: 308,595 of 929,740 alleles (33%); highest among the groups gnomAD compares: African/African-American, 69%; 79,266 homozygotes.

Submissions (4):

Genome-Nilou Lab
Classification: Benign for Facial dysmorphism-immunodeficiency-livedo-short stature syndrome. Last evaluated: 2021-10-25. Review status: criteria provided, single submitter. Criteria: ACMG Guidelines, 2015. Collection method: clinical testing. Allele origin: germline. Affected: no.

Genome-Nilou Lab
Classification: Benign for Intrauterine growth retardation, metaphyseal dysplasia, adrenal hypoplasia congenita, genital anomalies, and immunodeficiency. Last evaluated: 2021-10-25. Review status: criteria provided, single submitter. Criteria: ACMG Guidelines, 2015. Collection method: clinical testing. Allele origin: germline. Affected: no.

GeneDx
Classification: Benign. Last evaluated: 2018-06-20. Review status: criteria provided, single submitter. Criteria: GeneDx Variant Classification (06012015). Collection method: clinical testing. Allele origin: germline. Affected: yes.
Comment: This variant is considered likely benign or benign based on one or more of the following criteria: it is a conservative change, it occurs at a poorly conserved position in the protein, it is predicted to be benign by multiple in silico algorithms, and/or has population frequency not consistent with disease.

Breakthrough Genomics
Classification: Benign. Review status: criteria provided, single submitter. Criteria: ACMG Guidelines, 2015. Collection method: not provided. Allele origin: germline. Inheritance: Autosomal recessive inheritance. Affected: yes.